The following is an entry in ClinVar:

ClinVar aggregate classification (germline): Uncertain significance (1 of 4 stars; one submission).

Conditions:
Baller-Gerold syndrome (BGS). Also called: CRANIOSYNOSTOSIS WITH RADIAL DEFECTS. Identifiers: Orphanet 1225, MedGen C0265308, MONDO:0009039, OMIM 218600.

Submission:

Labcorp Genetics (formerly Invitae), Labcorp
Classification: Uncertain significance for Baller-Gerold syndrome. Last evaluated: 2025-11-10. Review status: criteria provided, single submitter. Criteria: Invitae Variant Classification Sherloc (09022015). Collection method: clinical testing. Allele origin: germline.
Comment: This sequence change falls in intron 8 of the RECQL4 gene. It does not directly change the encoded amino acid sequence of the RECQL4 protein. This variant is not present in population databases (gnomAD no frequency). This variant has not been reported in the literature in individuals affected with RECQL4-related conditions. Experimental studies and prediction algorithms are not available or were not evaluated, and the functional significance of this variant is currently unknown. In summary, the available evidence is currently insufficient to determine the role of this variant in disease. Therefore, it has been classified as a Variant of Uncertain Significance.

NM_004260.4(RECQL4):c.1469_1483+15dup

Gene: RECQL4 (RecQ like helicase 4; minus strand). Cytogenetic location: 8q24.3.
Variant type: Duplication.
Coding change: c.1469_1483+15dup on transcript NM_004260.4 (MANE Select); coding-DNA position 1469 through 15 bases into the intron after coding-DNA position 1483, 30 bases duplicated (TGCGGATCCTGTCTGGTGAGCGTGGCTGCC).
Molecular consequence: splice donor variant. On other transcripts: initiator codon variant (1).
Genome position (GRCh38, 1-based): chr8:144,515,135-144,515,164, GGCAGCCACGCTCACCAGACAGGATCCGCA duplicated on the plus strand (TGCGGATCCTGTCTGGTGAGCGTGGCTGCC on the coding strand, the reverse complement: RECQL4 is on the minus strand). VCF-style (leftmost placement, unchanged base first): chr8-144515134-T-TGGCAGCCACGCTCACCAGACAGGATCCGCA. GRCh37 (hg19) VCF-style: chr8-145740518-T-TGGCAGCCACGCTCACCAGACAGGATCCGCA.
Other names: c.1340_1354+15dup (NM_001413025.1); c.1118_1132+15dup (NM_001413029.1); c.332_346+15dup (NM_001413032.1, NM_001413027.1, NM_001413031.1 and 2 more transcripts); c.398_412+15dup (NM_001413035.1, NM_001413040.1, NM_001413021.1 and 8 more transcripts); c.1373_1387+15dup (NM_001413017.1, NM_001413020.1); c.1469_1483+15dup (NM_001413039.1, NM_001413033.1, NM_001413018.1 and 2 more transcripts); c.2_16+15dup (NM_001413043.1).
Identifiers: ClinVar variation 4730872 (VCV004730872.1).